The following is an entry in ClinVar:

ClinVar aggregate classification (germline): Uncertain significance (1 of 4 stars; one submission).

Allele frequency attached by ClinVar (database versions not stated): gnomAD exomes below 0.00001.
gnomAD v4.1: 1 of 1,613,522 alleles (0.000062%); highest among the groups gnomAD compares: Non-Finnish European, 0.000085%; no homozygotes.

Submission:

Labcorp Genetics (formerly Invitae), Labcorp
Classification: Uncertain significance. Last evaluated: 2024-10-22. Review status: criteria provided, single submitter. Criteria: Invitae Variant Classification Sherloc (09022015). Collection method: clinical testing. Allele origin: germline.
Comment: This sequence change replaces asparagine, which is neutral and polar, with serine, which is neutral and polar, at codon 4943 of the USH2A protein (p.Asn4943Ser). This variant is not present in population databases (gnomAD no frequency). This variant has not been reported in the literature in individuals affected with USH2A-related conditions. ClinVar contains an entry for this variant (Variation ID: 842032). Invitae Evidence Modeling of protein sequence and biophysical properties (such as structural, functional, and spatial information, amino acid conservation, physicochemical variation, residue mobility, and thermodynamic stability) indicates that this missense variant is not expected to disrupt USH2A protein function with a negative predictive value of 95%. In summary, the available evidence is currently insufficient to determine the role of this variant in disease. Therefore, it has been classified as a Variant of Uncertain Significance.

NM_206933.4(USH2A):c.14828A>G (p.Asn4943Ser)

Gene: USH2A (usherin; minus strand). Cytogenetic location: 1q41.
Variant type: single nucleotide variant.
Coding change: c.14828A>G on transcript NM_206933.4 (MANE Select); coding-DNA position 14828, A replaced by G.
Protein change: p.Asn4943Ser; replaces asparagine 4943 with serine.
Molecular consequence: missense variant.
Genome position (GRCh38, 1-based): chr1:215,640,698, T>C on the plus strand (A>G on the coding strand, the complement: USH2A is on the minus strand). VCF-style: chr1-215640698-T-C. GRCh37 (hg19) VCF-style: chr1-215814040-T-C.
Other names: short protein forms N4943S.
Identifiers: ClinVar variation 842032 (VCV000842032.6), dbSNP rs1656649391, ClinGen allele CA344828381.